The following is an entry in ClinVar:

NM_000936.4(PNLIP):c.794T>G (p.Ile265Arg)

Gene: PNLIP (pancreatic lipase; plus strand). Cytogenetic location: 10q25.3.
Variant type: single nucleotide variant.
Coding change: c.794T>G on transcript NM_000936.4 (MANE Select); coding-DNA position 794, T replaced by G.
Protein change: p.Ile265Arg; replaces isoleucine 265 with arginine.
Molecular consequence: missense variant.
Genome position (GRCh38, 1-based): chr10:116,555,490, T>G. VCF-style: chr10-116555490-T-G. GRCh37 (hg19) VCF-style: chr10-118315002-T-G.
Other names: short protein forms I265R.
Identifiers: ClinVar variation 2418964 (VCV002418964.4), dbSNP rs377358755, ClinGen allele CA5706594.

ClinVar aggregate classification (germline): Uncertain significance (1 of 4 stars; one submission).

Allele frequency attached by ClinVar (database versions not stated): ExAC 0.00003; gnomAD exomes 0.00007; TOPMed 0.00007; ESP Exome Variant Server 0.00008.

Submission:

Labcorp Genetics (formerly Invitae), Labcorp
Classification: Uncertain significance. Last evaluated: 2023-02-24. Review status: criteria provided, single submitter. Criteria: Invitae Variant Classification Sherloc (09022015). Collection method: clinical testing. Allele origin: germline.
Comment: This variant has not been reported in the literature in individuals affected with PNLIP-related conditions. ClinVar contains an entry for this variant (Variation ID: 2418964). An algorithm developed to predict the effect of missense changes on protein structure and function (PolyPhen-2) suggests that this variant is likely to be disruptive. Experimental studies have shown that this missense change affects PNLIP function (PMID: 30789418). In summary, the available evidence is currently insufficient to determine the role of this variant in disease. Therefore, it has been classified as a Variant of Uncertain Significance. This variant is present in population databases (rs377358755, gnomAD 0.009%). This sequence change replaces isoleucine, which is neutral and non-polar, with arginine, which is basic and polar, at codon 265 of the PNLIP protein (p.Ile265Arg).

Literature cited by the submitters: PubMed 30789418.